The following is an entry in ClinVar:

NM_004304.5(ALK):c.630C>G (p.Ala210=)

Gene: ALK (ALK receptor tyrosine kinase; minus strand). Cytogenetic location: 2p23.1.
Variant type: single nucleotide variant.
Coding change: c.630C>G on transcript NM_004304.5 (MANE Select); coding-DNA position 630, C replaced by G.
Protein change: p.Ala210=; no amino-acid change (alanine 210 retained).
Molecular consequence: synonymous variant.
Genome position (GRCh38, 1-based): chr2:29,920,030, G>C on the plus strand (C>G on the coding strand, the complement: ALK is on the minus strand). VCF-style: chr2-29920030-G-C. GRCh37 (hg19) VCF-style: chr2-30142896-G-C.
Identifiers: ClinVar variation 1097267 (VCV001097267.11), dbSNP rs1337002578, ClinGen allele CA425524652.
Genomic context (GRCh38, chr2:29,920,030, plus strand): 5'-ACACTCAGGCGGGAGCTGCTCACCAGTCCCGAAGATCTGGAAGAGAAGGCGGGGCTGGGA[G>C]GCGCGAATTGCCGCGGACAGCCTTCCCTCTCTGCCCACTTCCGACGCCTTCTTCTCGGGC-3'
Protein context (NP_004295.2, residues 200-220): REGRLSAAIR[Ala210=]SQPRLLFQIF

ClinVar aggregate classification (germline): Conflicting classifications of pathogenicity. Review status: criteria provided, conflicting classifications (1 of 4 stars). 3 submissions from 3 submitters: Uncertain significance (1); Likely benign (2). Last evaluated 2025-09-03.

Conditions:
Hereditary cancer-predisposing syndrome. Also called: Neoplastic Syndromes, Hereditary; Hereditary neoplastic syndrome; Hereditary Cancer Syndrome; Tumor predisposition. Identifiers: Orphanet 140162, MedGen C0027672, MeSH D009386, MONDO:0015356.
Neuroblastoma, susceptibility to, 3. Also called: ALK-Related Neuroblastic Tumor Susceptibility. Identifiers: Orphanet 635, MedGen C2751681, MONDO:0013083, OMIM 613014.

Allele frequency attached by ClinVar (database versions not stated): gnomAD 0.00001.
gnomAD v4.1: 1 of 1,614,034 alleles (0.000062%); highest among the groups gnomAD compares: Non-Finnish European, 0.000085%; no homozygotes.

Submissions (3):

Labcorp Genetics (formerly Invitae), Labcorp
Classification: Likely benign for Neuroblastoma, susceptibility to, 3. Last evaluated: 2025-09-03. Review status: criteria provided, single submitter. Criteria: Invitae Variant Classification Sherloc (09022015). Collection method: clinical testing. Allele origin: germline.

GeneDx
Classification: Uncertain significance. Last evaluated: 2023-03-02. Review status: criteria provided, single submitter. Criteria: GeneDx Variant Classification Process June 2021. Collection method: clinical testing. Allele origin: germline. Affected: yes.
Comment: Not observed at significant frequency in large population cohorts (gnomAD); In silico analysis supports that this variant does not alter splicing; Has not been previously published as pathogenic or benign to our knowledge

Ambry Genetics
Classification: Likely benign for Hereditary cancer-predisposing syndrome. Last evaluated: 2020-06-14. Review status: criteria provided, single submitter. Criteria: Ambry Variant Classification Scheme 2023. Collection method: clinical testing. Allele origin: germline.